The following is an entry in ClinVar:

NM_005633.4(SOS1):c.3772C>T (p.Pro1258Ser)

Gene: SOS1 (SOS Ras/Rac guanine nucleotide exchange factor 1; minus strand). Cytogenetic location: 2p22.1.
Variant type: single nucleotide variant.
Coding change: c.3772C>T on transcript NM_005633.4 (MANE Select); coding-DNA position 3772, C replaced by T.
Protein change: p.Pro1258Ser; replaces proline 1258 with serine.
Molecular consequence: missense variant.
Genome position (GRCh38, 1-based): chr2:38,986,054, G>A on the plus strand (C>T on the coding strand, the complement: SOS1 is on the minus strand). VCF-style: chr2-38986054-G-A. GRCh37 (hg19) VCF-style: chr2-39213195-G-A.
Other names: c.3751C>T, p.Pro1251Ser (NM_001382394.1); c.3727C>T, p.Pro1243Ser (NM_001382395.1); short protein forms P1243S, P1251S, P1258S.
Identifiers: ClinVar variation 3368614 (VCV003368614.1).

ClinVar aggregate classification (germline): Uncertain significance (1 of 4 stars; one submission).

Submission:

GeneDx
Classification: Uncertain significance. Last evaluated: 2024-02-02. Review status: criteria provided, single submitter. Criteria: GeneDx Variant Classification Process June 2021. Collection method: clinical testing. Allele origin: germline. Affected: yes.
Comment: Not observed at significant frequency in large population cohorts (gnomAD); Missense variants in this gene are a common cause of disease and they are underrepresented in the general population; In silico analysis supports that this missense variant does not alter protein structure/function; Has not been previously published as pathogenic or benign to our knowledge